The following is an entry in ClinVar:

ClinVar aggregate classification (germline): Uncertain significance (1 of 4 stars; one submission).

Submission:

Labcorp Genetics (formerly Invitae), Labcorp
Classification: Uncertain significance. Last evaluated: 2022-03-22. Review status: criteria provided, single submitter. Criteria: Invitae Variant Classification Sherloc (09022015). Collection method: clinical testing. Allele origin: germline.
Comment: This sequence change creates a premature translational stop signal (p.Gln153*) in the GFAP gene. It is expected to result in an absent or disrupted protein product. However, the current clinical and genetic evidence is not sufficient to establish whether loss-of-function variants in GFAP cause disease. This variant is not present in population databases (gnomAD no frequency). This variant has not been reported in the literature in individuals affected with GFAP-related conditions. Algorithms developed to predict the effect of sequence changes on RNA splicing suggest that this variant may disrupt the consensus splice site. In summary, the available evidence is currently insufficient to determine the role of this variant in disease. Therefore, it has been classified as a Variant of Uncertain Significance.

NM_002055.5(GFAP):c.457C>T (p.Gln153Ter)

Gene: GFAP (glial fibrillary acidic protein; minus strand). Cytogenetic location: 17q21.31.
Variant type: single nucleotide variant.
Coding change: c.457C>T on transcript NM_002055.5 (MANE Select); coding-DNA position 457, C replaced by T.
Protein change: p.Gln153Ter; replaces glutamine 153 with a stop codon.
Molecular consequence: nonsense.
Genome position (GRCh38, 1-based): chr17:44,915,030, G>A on the plus strand (C>T on the coding strand, the complement: GFAP is on the minus strand). VCF-style: chr17-44915030-G-A. GRCh37 (hg19) VCF-style: chr17-42992398-G-A.
Other names: c.457C>T, p.Gln153Ter (NM_001131019.3, NM_001242376.3, NM_001363846.2); short protein forms Q153*.
Identifiers: ClinVar variation 1922068 (VCV001922068.5), dbSNP rs2508948201, ClinGen allele CA399847276.